The following is an entry in ClinVar:

NM_000059.4(BRCA2):c.9409A>C (p.Thr3137Pro)

Gene: BRCA2 (BRCA2 DNA repair associated; plus strand). Cytogenetic location: 13q13.1.
Variant type: single nucleotide variant.
Coding change: c.9409A>C on transcript NM_000059.4 (MANE Select); coding-DNA position 9409, A replaced by C.
Protein change: p.Thr3137Pro; replaces threonine 3137 with proline.
Molecular consequence: missense variant. On other transcripts: non-coding transcript variant (1).
Genome position (GRCh38, 1-based): chr13:32,394,841, A>C. VCF-style: chr13-32394841-A-C. GRCh37 (hg19) VCF-style: chr13-32968978-A-C.
Other names: c.9313A>C, p.Thr3105Pro (NM_001406719.1); c.9358A>C, p.Thr3120Pro (NM_001406720.1); c.4477A>C, p.Thr1493Pro (NM_001406721.1); c.2992A>C, p.Thr998Pro (NM_001406722.1); short protein forms T1493P, T3105P, T3120P, T998P, T3137P.
Identifiers: ClinVar variation 2713109 (VCV002713109.4), dbSNP rs746036918, ClinGen allele CA387761403.

ClinVar aggregate classification (germline): Uncertain significance. Review status: criteria provided, multiple submitters, no conflicts (2 of 4 stars). 2 submissions from 2 submitters: Uncertain significance (2). Last evaluated 2024-09-24.

Conditions:
Hereditary cancer-predisposing syndrome. Also called: Neoplastic Syndromes, Hereditary; Tumor predisposition; Hereditary Cancer Syndrome; Hereditary neoplastic syndrome. Identifiers: Orphanet 140162, MedGen C0027672, MeSH D009386, MONDO:0015356.
Hereditary breast ovarian cancer syndrome. Also called: Hereditary breast and ovarian cancer syndrome; Hereditary breast and ovarian cancer syndrome (HBOC); Hereditary breast and/or ovarian cancer syndrome; Hereditary breast and ovarian cancer; Breast and ovarian cancer; BRCA1- and BRCA2-Associated Hereditary Breast and Ovarian Cancer. Identifiers: Orphanet 145, MedGen C0677776, MeSH D061325, MONDO:0003582. Disease mechanism: loss of function.

Submissions (2):

Color Diagnostics, LLC DBA Color Health
Classification: Uncertain significance for Hereditary cancer-predisposing syndrome. Last evaluated: 2024-09-24. Review status: criteria provided, single submitter. Criteria: ACMG Guidelines, 2015. Collection method: clinical testing. Allele origin: germline.
Comment: This missense variant replaces threonine with proline at codon 3137 of the BRCA2 protein. Computational prediction is inconclusive regarding the impact of this variant on protein structure and function. To our knowledge, functional studies have not been reported for this variant. This variant has been reported in two individuals with personal or family history of breast cancer (PMID: 30611917). This variant has not been identified in the general population by the Genome Aggregation Database (gnomAD). The available evidence is insufficient to determine the role of this variant in disease conclusively. Therefore, this variant is classified as a Variant of Uncertain Significance.

Labcorp Genetics (formerly Invitae), Labcorp
Classification: Uncertain significance for Hereditary breast ovarian cancer syndrome. Last evaluated: 2023-11-24. Review status: criteria provided, single submitter. Criteria: Invitae Variant Classification Sherloc (09022015). Collection method: clinical testing. Allele origin: germline.
Comment: This sequence change replaces threonine, which is neutral and polar, with proline, which is neutral and non-polar, at codon 3137 of the BRCA2 protein (p.Thr3137Pro). This variant is not present in population databases (gnomAD no frequency). This missense change has been observed in individual(s) with breast cancer (PMID: 30611917). Advanced modeling of protein sequence and biophysical properties (such as structural, functional, and spatial information, amino acid conservation, physicochemical variation, residue mobility, and thermodynamic stability) performed at Invitae indicates that this missense variant is not expected to disrupt BRCA2 protein function with a negative predictive value of 95%. In summary, the available evidence is currently insufficient to determine the role of this variant in disease. Therefore, it has been classified as a Variant of Uncertain Significance.

Literature cited by the submitters: PubMed 30611917 (cited by Color Diagnostics, LLC DBA Color Health and Labcorp Genetics (formerly Invitae), Labcorp).